The following is an entry in ClinVar:

ClinVar aggregate classification (germline): Benign/Likely benign. Review status: criteria provided, multiple submitters, no conflicts (2 of 4 stars). 4 submissions from 4 submitters: Benign (1); Likely benign (2). 1 of the submissions does not count toward it. Last evaluated 2024-11-06.

Conditions:
MACF1-related disorder. Also called: MACF1-related condition.

Allele frequency attached by ClinVar (database versions not stated): gnomAD exomes 0.00006; ExAC 0.00015; 1000 Genomes Project 30x 0.00016; 1000 Genomes Project 0.00020; gnomAD 0.00045; TOPMed 0.00047; ESP Exome Variant Server 0.00069.
gnomAD v4.1: 165 of 1,612,074 alleles (0.01%); highest among the groups gnomAD compares: African/African-American, 0.15%; no homozygotes.

Submissions (4):

Blueprint Genetics
Classification: Likely benign. Last evaluated: 2024-11-06. Review status: criteria provided, single submitter. Criteria: ACMG Guidelines, 2015. Collection method: clinical testing. Allele origin: germline.

Labcorp Genetics (formerly Invitae), Labcorp
Classification: Likely benign. Last evaluated: 2022-08-25. Review status: criteria provided, single submitter. Criteria: Invitae Variant Classification Sherloc (09022015). Collection method: clinical testing. Allele origin: germline.

CeGaT Center for Human Genetics Tuebingen
Classification: Benign. Last evaluated: 2022-07-01. Review status: criteria provided, single submitter. Criteria: CeGaT Center For Human Genetics Tuebingen Variant Classification Criteria Version 2. Collection method: clinical testing. Allele origin: germline. Affected: yes. Observed: 1 variant allele.
Comment: MACF1: BS1, BS2

PreventionGenetics, part of Exact Sciences
Classification: Likely benign for MACF1-related condition. Last evaluated: 2022-02-28. Review status: no assertion criteria provided. Collection method: clinical testing. Allele origin: germline. Not counted in ClinVar's aggregate classification.
Comment: This variant is classified as likely benign based on ACMG/AMP sequence variant interpretation guidelines (Richards et al. 2015 PMID: 25741868, with internal and published modifications).

NM_001394062.1(MACF1):c.21209G>A (p.Ser7070Asn)

Gene: MACF1 (microtubule actin crosslinking factor 1; plus strand). Cytogenetic location: 1p34.3.
Variant type: single nucleotide variant.
Coding change: c.21209G>A on transcript NM_001394062.1 (MANE Select); coding-DNA position 21209, G replaced by A.
Protein change: p.Ser7070Asn; replaces serine 7070 with asparagine.
Molecular consequence: missense variant.
Genome position (GRCh38, 1-based): chr1:39,459,098, G>A. VCF-style: chr1-39459098-G-A. GRCh37 (hg19) VCF-style: chr1-39924770-G-A.
Other names: c.9287G>A, p.Ser3096Asn (NM_001397473.1); c.15032G>A, p.Ser5011Asn (NM_012090.5); short protein forms S3096N, S5011N, S7070N.
Identifiers: ClinVar variation 2137674 (VCV002137674.30), dbSNP rs112897114, ClinGen allele CA784612.